The following is an entry in ClinVar:

NM_033380.3(COL4A5):c.2509+2279_3067del

Gene: COL4A5 (collagen type IV alpha 5 chain; plus strand). Cytogenetic location: Xq22.3.
Variant type: Deletion.
Coding change: c.2509+2279_3067del on transcript NM_033380.3 (MANE Select); 2279 bases into the intron after coding-DNA position 2509 through coding-DNA position 3067, 8,453 bases deleted.
Molecular consequence: splice acceptor variant, splice donor variant.
Genome position (GRCh38, 1-based): chrX:108,617,303-108,625,755, 8,453 bases deleted. GRCh37 (hg19): chrX:107,860,533-107,868,985.
Other names: c.2509+2279_3067del (NM_000495.5).
Identifiers: ClinVar variation 5041977 (VCV005041977.1).

ClinVar aggregate classification (germline): Pathogenic (1 of 4 stars; one submission).

Conditions:
X-linked Alport syndrome (ATS1). Also called: NEPHROPATHY AND DEAFNESS, X-LINKED; COL4A5-Related Nephropathy. Identifiers: Orphanet 63, Orphanet 88917, MedGen C4746986, MONDO:0010520, OMIM 301050.

Submission:

Centre de Génétique Humaine, Institut de Pathologie Et de Génétique
Classification: Pathogenic for X-linked Alport syndrome. Last evaluated: 2026-06-05. Review status: criteria provided, single submitter. Criteria: ACMG Guidelines, 2015. Collection method: clinical testing. Allele origin: maternal, germline. Inheritance: X-linked dominant inheritance. Affected: yes. Observed: 3 variant alleles, 2 heterozygotes, 1 hemizygote. Clinical features observed: Microscopic hematuria (HP:0002907), Severe albuminuria (HP:0033066), Sensorineural hearing loss disorder (HP:0000407), Stage 2 chronic kidney disease (HP:0012624), Hypertensive disorder (HP:0000822), Stage 5 chronic kidney disease (HP:0003774). Segregation with disease observed.
Comment: CNV segregates with phenotype in the family (5D:0.15)